The following is an entry in ClinVar:

NM_000179.3(MSH6):c.1450G>C (p.Glu484Gln)

Gene: MSH6 (mutS homolog 6; plus strand). Cytogenetic location: 2p16.3.
Variant type: single nucleotide variant.
Coding change: c.1450G>C on transcript NM_000179.3 (MANE Select); coding-DNA position 1450, G replaced by C.
Protein change: p.Glu484Gln; replaces glutamic acid 484 with glutamine.
Molecular consequence: missense variant.
Genome position (GRCh38, 1-based): chr2:47,799,433, G>C. VCF-style: chr2-47799433-G-C. GRCh37 (hg19) VCF-style: chr2-48026572-G-C.
Other names: c.1060G>C, p.Glu354Gln (NM_001281492.2); c.544G>C, p.Glu182Gln (NM_001281493.2, NM_001281494.2); short protein forms E484Q, E182Q, E354Q.
Identifiers: ClinVar variation 142768 (VCV000142768.25), dbSNP rs587782706, ClinGen allele CA008646.

ClinVar aggregate classification (germline): Conflicting classifications of pathogenicity. Review status: criteria provided, conflicting classifications (1 of 4 stars). 6 submissions from 6 submitters: Pathogenic (2); Likely pathogenic (2); Uncertain significance (2). Last evaluated 2026-08-19.

Conditions:
Hereditary nonpolyposis colorectal neoplasms. Identifiers: MedGen C0009405, MeSH D003123.
Hereditary cancer-predisposing syndrome. Also called: Neoplastic Syndromes, Hereditary; Hereditary Cancer Syndrome; Tumor predisposition; Hereditary neoplastic syndrome. Identifiers: Orphanet 140162, MedGen C0027672, MeSH D009386, MONDO:0015356.
Lynch syndrome. Identifiers: Orphanet 144, MedGen C4552100, MONDO:0005835. Disease mechanism: loss of function.
Endometrial carcinoma. Also called: Endometrial carcinoma, somatic. Identifiers: MedGen C0476089, MONDO:0002447, OMIM 608089, HP:0012114.

gnomAD v4.1: 4 of 1,614,084 alleles (0.00025%); highest among the groups gnomAD compares: Non-Finnish European, 0.00034%; no homozygotes.

Submissions (6):

Ambry Genetics
Classification: Pathogenic for Hereditary cancer-predisposing syndrome. Last evaluated: 2026-08-19. Review status: criteria provided, single submitter. Criteria: Ambry Variant Classification Scheme 2023. Collection method: clinical testing. Allele origin: germline.
Comment: The c.1450G>C (p.E484Q) alteration is located in exon 4 (coding exon 4) of the MSH6 gene. This alteration results from a G to C substitution at nucleotide position 1450, causing the glutamic acid (E) at amino acid position 484 to be replaced by a glutamine (Q). This variant was not reported in population-based cohorts in the Genome Aggregation Database (gnomAD). This variant has been identified in probands whose Lynch syndrome-associated tumor demonstrated loss of MSH6 expression by immunohistochemistry (Ambry internal data, external communication). This amino acid position is highly conserved in available vertebrate species. Interrogation of the local protein structure indicates that this substitution would be destabilizing (Ambry internal data). This alteration is predicted to be deleterious by in silico analysis. Based on the available evidence, this alteration is classified as pathogenic.

Labcorp Genetics (formerly Invitae), Labcorp
Classification: Pathogenic for Hereditary nonpolyposis colorectal neoplasms. Last evaluated: 2025-11-05. Review status: criteria provided, single submitter. Criteria: Invitae Variant Classification Sherloc (09022015). Collection method: clinical testing. Allele origin: germline.
Comment: This sequence change replaces glutamic acid, which is acidic and polar, with glutamine, which is neutral and polar, at codon 484 of the MSH6 protein (p.Glu484Gln). This variant is not present in population databases (gnomAD no frequency). This missense change has been observed in individuals with clinical features of Lynch syndrome (internal data). Invitae Evidence Modeling of clinical and family history, age, sex, and reported ancestry of multiple individuals with this MSH6 variant has been performed. This variant is expected to be benign with a negative predictive value of at least 95%. This is a validated machine learning model that incorporates the clinical features of 1,627,235 individuals referred to our laboratory for MSH6 testing. ClinVar contains an entry for this variant (Variation ID: 142768). Invitae Evidence Modeling of protein sequence and biophysical properties (such as structural, functional, and spatial information, amino acid conservation, physicochemical variation, residue mobility, and thermodynamic stability) has been performed for this missense variant. However, the output from this modeling did not meet the statistical confidence thresholds required to predict the impact of this variant on MSH6 protein function. This variant disrupts the p.Glu484 amino acid residue in MSH6. Other variant(s) that disrupt this residue have been determined to be pathogenic (PMID: 23621914, 32635641). This suggests that this residue is clinically significant, and that variants that disrupt this residue are likely to be disease-causing. For these reasons, this variant has been classified as Pathogenic.

GeneDx
Classification: Likely pathogenic. Last evaluated: 2025-07-31. Review status: criteria provided, single submitter. Criteria: GeneDx Variant Classification Process June 2021. Collection method: clinical testing. Allele origin: germline. Affected: yes.
Comment: Not observed at significant frequency in large population cohorts (gnomAD); In silico analysis supports that this missense variant has a deleterious effect on protein structure/function; Has not been previously published as germline pathogenic or benign to our knowledge; This variant is associated with the following publications: (PMID: 19584161, 23621914, 17531815, 21120944)

Color Diagnostics, LLC DBA Color Health
Classification: Likely pathogenic for Hereditary cancer-predisposing syndrome. Last evaluated: 2025-06-20. Review status: criteria provided, single submitter. Criteria: ACMG Guidelines, 2015. Collection method: clinical testing. Allele origin: germline.
Comment: This missense variant replaces glutamic acid with glutamine at codon 484 of the MSH6 protein. Computational prediction suggests that this variant may have deleterious impact on protein structure and function To our knowledge, functional studies have not been reported for this variant. This variant has been reported in individuals with clinical features of Lynch syndrome, and tumor data from some of these individuals shows loss of MSH6 expression via immunohistochemistry (ClinVar SCV000187236.10, SCV000260923.11). The variant has also been observed in trans with a pathogenic MSH6 variant in an individual with clinical features of constitutional mismatch repair deficiency (ClinVar SCV000187236.10). This variant has not been identified in the general population by the Genome Aggregation Database (gnomAD). Based on the available evidence, this variant is classified as Likely Pathogenic.

Baylor Genetics
Classification: Uncertain significance for Endometrial carcinoma. Last evaluated: 2024-02-28. Review status: criteria provided, single submitter. Criteria: ACMG Guidelines, 2015. Collection method: clinical testing. Allele origin: unknown.

All of Us Research Program, National Institutes of Health
Classification: Uncertain significance for Lynch syndrome. Last evaluated: 2023-06-28. Review status: criteria provided, single submitter. Criteria: ACMG Guidelines, 2015. Collection method: clinical testing. Allele origin: germline. Inheritance: Autosomal dominant inheritance. Observed: 1 variant allele, 1 heterozygote.
Comment: This study involves interpretation of variants in research participants for the purpose of population health screening. Participant phenotype was not available at the time of variant classification. Additional details can be found in publication PMID: 35346344, PMCID: PMC8962531

Literature cited by the submitters: PubMed 23621914 (cited by Labcorp Genetics (formerly Invitae), Labcorp); PubMed 32635641 (cited by Labcorp Genetics (formerly Invitae), Labcorp).